The following is an entry in ClinVar:

NM_001122769.3(LCA5):c.644dup (p.Pro216fs)

Gene: LCA5 (lebercilin LCA5; minus strand). Cytogenetic location: 6q14.1.
Variant type: Duplication.
Coding change: c.644dup on transcript NM_001122769.3 (MANE Select); coding-DNA position 644, one base duplicated (T; older notation c.644dupT).
Protein change: p.Pro216fs; shifts the reading frame from proline 216.
Molecular consequence: frameshift variant.
Genome position (GRCh38, 1-based): chr6:79,513,288, A duplicated on the plus strand (T on the coding strand, the reverse complement: LCA5 is on the minus strand). VCF-style (leftmost placement, unchanged base first): chr6-79513287-T-TA. GRCh37 (hg19) VCF-style: chr6-80223004-T-TA.
Other names: c.644dup, p.Pro216fs (NM_181714.4); short protein forms P216fs.
Identifiers: ClinVar variation 2023889 (VCV002023889.4), dbSNP rs2533438349, ClinGen allele CA2580075881.
Genomic context (GRCh38, chr6:79,513,287, plus strand): 5'-GGTGTCATCTAACTTTAACTCTGCTGAAACTAGTTTCTTTGCCAAATCATCTCGTTCAGG[T>TA]AGGTGTCTAGCTTCAGAGATCTCTTTCAGTTTCTGTAAGGAAAATTTTGTCCTAAATAGT-3'

ClinVar aggregate classification (germline): Pathogenic (1 of 4 stars; one submission).

Submission:

Labcorp Genetics (formerly Invitae), Labcorp
Classification: Pathogenic. Last evaluated: 2025-09-02. Review status: criteria provided, single submitter. Criteria: Invitae Variant Classification Sherloc (09022015). Collection method: clinical testing. Allele origin: germline.
Comment: This sequence change creates a premature translational stop signal (p.Pro216Thrfs*2) in the LCA5 gene. It is expected to result in an absent or disrupted protein product. Loss-of-function variants in LCA5 are known to be pathogenic (PMID: 17546029, 23946133). This variant is not present in population databases (gnomAD no frequency). This variant has not been reported in the literature in individuals affected with LCA5-related conditions. ClinVar contains an entry for this variant (Variation ID: 2023889). For these reasons, this variant has been classified as Pathogenic.

Literature cited by the submitters: PubMed 17546029; PubMed 23946133.